The following is an entry in ClinVar:

NM_001283009.2(RTEL1):c.2435C>G (p.Pro812Arg)

Genes: RTEL1 (regulator of telomere elongation helicase 1; plus strand), RTEL1-TNFRSF6B (RTEL1-TNFRSF6B readthrough (NMD candidate); plus strand). Cytogenetic location: 20q13.33.
Variant type: single nucleotide variant.
Coding change: c.2435C>G on transcript NM_001283009.2 (MANE Select); coding-DNA position 2435, C replaced by G.
Protein change: p.Pro812Arg; replaces proline 812 with arginine.
Molecular consequence: missense variant. On other transcripts: non-coding transcript variant (1).
Genome position (GRCh38, 1-based): chr20:63,690,826, C>G. VCF-style: chr20-63690826-C-G. GRCh37 (hg19) VCF-style: chr20-62322179-C-G.
Other names: c.1766C>G, p.Pro589Arg (NM_001283010.1); c.2435C>G, p.Pro812Arg (NM_016434.4); c.2507C>G, p.Pro836Arg (NM_032957.5); short protein forms P589R, P812R, P836R.
Identifiers: ClinVar variation 1792325 (VCV001792325.4), dbSNP rs760162930, ClinGen allele CA317517026.
Genomic context (GRCh38, chr20:63,690,826, plus strand): 5'-CCCCCGTGGGCTTCACTGCGCACTCGGGTGCCCCTGCAGGGTCACCAGCTGCCGGGGACC[C>G]CGAGAGTAGCCTGTGTGTGGAGTATGAGCAGGAGCCAGTTCCTGCCCGGCAGAGGCCCAG-3'
Protein context (NP_001269938.1, residues 802-822): RSSGSPAAGD[Pro812Arg]ESSLCVEYEQ

ClinVar aggregate classification (germline): Uncertain significance. Review status: criteria provided, multiple submitters, no conflicts (2 of 4 stars). 2 submissions from 2 submitters: Uncertain significance (2). Last evaluated 2022-09-05.

Conditions:
Dyskeratosis congenita, autosomal recessive 5 (DKCB5). Identifiers: MedGen C3554656, MONDO:0014076, OMIM 615190.
Pulmonary fibrosis and/or bone marrow failure, Telomere-related, 3. Also called: PULMONARY FIBROSIS AND/OR BONE MARROW FAILURE SYNDROME, TELOMERE-RELATED, 3. Identifiers: Orphanet 2032, MedGen C4225346, MONDO:0014613, OMIM 616373.
Inborn genetic diseases. Identifiers: MedGen C0950123, MeSH D030342.

Allele frequency attached by ClinVar (database versions not stated): TOPMed below 0.00001; gnomAD 0.00001; gnomAD exomes 0.00002.
gnomAD v4.1: 27 of 1,605,372 alleles (0.0017%); highest among the groups gnomAD compares: Non-Finnish European, 0.0021%; no homozygotes.

Submissions (2):

Labcorp Genetics (formerly Invitae), Labcorp
Classification: Uncertain significance for Dyskeratosis congenita, autosomal recessive 5; Pulmonary fibrosis and/or bone marrow failure, Telomere-related, 3. Last evaluated: 2022-09-05. Review status: criteria provided, single submitter. Criteria: Invitae Variant Classification Sherloc (09022015). Collection method: clinical testing. Allele origin: germline.
Comment: This sequence change replaces proline, which is neutral and non-polar, with arginine, which is basic and polar, at codon 812 of the RTEL1 protein (p.Pro812Arg). This variant is present in population databases (rs760162930, gnomAD 0.002%). This variant has not been reported in the literature in individuals affected with RTEL1-related conditions. Algorithms developed to predict the effect of missense changes on protein structure and function (SIFT, PolyPhen-2, Align-GVGD) all suggest that this variant is likely to be tolerated. In summary, the available evidence is currently insufficient to determine the role of this variant in disease. Therefore, it has been classified as a Variant of Uncertain Significance.

Ambry Genetics
Classification: Uncertain significance for Inborn genetic diseases. Last evaluated: 2021-11-29. Review status: criteria provided, single submitter. Criteria: Ambry Variant Classification Scheme 2023. Collection method: clinical testing. Allele origin: germline.
Comment: The p.P836R variant (also known as c.2507C>G), located in coding exon 26 of the RTEL1 gene, results from a C to G substitution at nucleotide position 2507. The proline at codon 836 is replaced by arginine, an amino acid with dissimilar properties. This amino acid position is conserved. In addition, this alteration is predicted to be tolerated by in silico analysis. Since supporting evidence is limited at this time, the clinical significance of this alteration remains unclear.